The following is an entry in ClinVar:

ClinVar aggregate classification (germline): Likely benign (1 of 4 stars; one submission).

Allele frequency attached by ClinVar (database versions not stated): gnomAD exomes 0.00157; 1000 Genomes Project 0.01398; gnomAD 0.01425; 1000 Genomes Project 30x 0.01562; TOPMed 0.01563.
gnomAD v4.1: 3,753 of 1,140,650 alleles (0.33%); highest among the groups gnomAD compares: African/African-American, 5.1%; 73 homozygotes.

Submission:

GeneDx
Classification: Likely benign. Last evaluated: 2021-05-16. Review status: criteria provided, single submitter. Criteria: GeneDx Variant Classification Process June 2021. Collection method: clinical testing. Allele origin: germline. Affected: yes.
Comment: See Variant Classification Assertion Criteria.

NM_006662.3(SRCAP):c.6128-124T>C

Gene: SRCAP (Snf2 related CREBBP activator protein; plus strand). Cytogenetic location: 16p11.2.
Variant type: single nucleotide variant.
Coding change: c.6128-124T>C on transcript NM_006662.3 (MANE Select); 124 bases into the intron before coding-DNA position 6128, T replaced by C.
Molecular consequence: intron variant.
Genome position (GRCh38, 1-based): chr16:30,733,156, T>C. VCF-style: chr16-30733156-T-C. GRCh37 (hg19) VCF-style: chr16-30744477-T-C.
Identifiers: ClinVar variation 1707326 (VCV001707326.2), dbSNP rs73538422, ClinGen allele CA280519431.
Genomic context (GRCh38, chr16:30,733,156, plus strand): 5'-AGAGTGCAGGGACTACAGGTGTGAGCCACCATGCCCTGCCGTAGTTAAACATTTTTGATC[T>C]GCTAGGCTAATTGAAACTTTGGCTTAAAGCATTGATTATCTTTCAACCCCAGCCTTGCAT-3'